The following is an entry in ClinVar:

NM_000548.5(TSC2):c.1202A>C (p.His401Pro)

Gene: TSC2 (TSC complex subunit 2; plus strand). Cytogenetic location: 16p13.3.
Variant type: single nucleotide variant.
Coding change: c.1202A>C on transcript NM_000548.5 (MANE Select); coding-DNA position 1202, A replaced by C.
Protein change: p.His401Pro; replaces histidine 401 with proline.
Molecular consequence: missense variant.
Genome position (GRCh38, 1-based): chr16:2,061,953, A>C. VCF-style: chr16-2061953-A-C. GRCh37 (hg19) VCF-style: chr16-2111954-A-C.
Other names: c.1202A>C, p.His401Pro (NM_001370405.1, NM_021055.3, NM_001077183.3 and 3 more transcripts); c.1091A>C, p.His364Pro (NM_001318827.2); c.1055A>C, p.His352Pro (NM_001318829.2); c.602A>C, p.His201Pro (NM_001318831.2); c.1235A>C, p.His412Pro (NM_001318832.2); c.1202A>C (NM_000548.3); short protein forms H201P, H352P, H364P, H401P, H412P.
Identifiers: ClinVar variation 1301335 (VCV001301335.5), dbSNP rs2086691569, ClinGen allele CA394320799.

ClinVar aggregate classification (germline): Uncertain significance. Review status: criteria provided, multiple submitters, no conflicts (2 of 4 stars). 4 submissions from 4 submitters: Uncertain significance (4). Last evaluated 2025-06-23.

Conditions:
Isolated focal cortical dysplasia type II (FCORD2). Also called: CORTICAL DYSPLASIA OF TAYLOR; Focal cortical dysplasia type II. Identifiers: Orphanet 268994, MedGen C1846385, MONDO:0011818, OMIM 607341, HP:0032051.
Hereditary cancer-predisposing syndrome. Also called: Neoplastic Syndromes, Hereditary; Hereditary Cancer Syndrome; Tumor predisposition; Hereditary neoplastic syndrome. Identifiers: Orphanet 140162, MedGen C0027672, MeSH D009386, MONDO:0015356.
Tuberous sclerosis 2 (TSC2). Identifiers: Orphanet 805, MedGen C1860707, MONDO:0013199, OMIM 613254.

Submissions (4):

Labcorp Genetics (formerly Invitae), Labcorp
Classification: Uncertain significance for Tuberous sclerosis 2. Last evaluated: 2025-06-23. Review status: criteria provided, single submitter. Criteria: Invitae Variant Classification Sherloc (09022015). Collection method: clinical testing. Allele origin: germline.
Comment: This sequence change replaces histidine, which is basic and polar, with proline, which is neutral and non-polar, at codon 401 of the TSC2 protein (p.His401Pro). This variant is not present in population databases (gnomAD no frequency). This variant has not been reported in the literature in individuals affected with TSC2-related conditions. ClinVar contains an entry for this variant (Variation ID: 1301335). Invitae Evidence Modeling of protein sequence and biophysical properties (such as structural, functional, and spatial information, amino acid conservation, physicochemical variation, residue mobility, and thermodynamic stability) indicates that this missense variant is not expected to disrupt TSC2 protein function with a negative predictive value of 95%. In summary, the available evidence is currently insufficient to determine the role of this variant in disease. Therefore, it has been classified as a Variant of Uncertain Significance.

Ambry Genetics
Classification: Uncertain significance for Hereditary cancer-predisposing syndrome. Last evaluated: 2024-06-21. Review status: criteria provided, single submitter. Criteria: Ambry Variant Classification Scheme 2023. Collection method: clinical testing. Allele origin: germline.
Comment: The p.H401P variant (also known as c.1202A>C), located in coding exon 11 of the TSC2 gene, results from an A to C substitution at nucleotide position 1202. The histidine at codon 401 is replaced by proline, an amino acid with similar properties. This amino acid position is conserved. In addition, this alteration is predicted to be deleterious by in silico analysis. Based on the available evidence, the clinical significance of this variant remains unclear.

Baylor Genetics
Classification: Uncertain significance for Isolated focal cortical dysplasia type II. Last evaluated: 2023-09-26. Review status: criteria provided, single submitter. Criteria: ACMG Guidelines, 2015. Collection method: clinical testing. Allele origin: unknown.

Women's Health and Genetics/Laboratory Corporation of America, LabCorp
Classification: Uncertain significance. Last evaluated: 2021-09-25. Review status: criteria provided, single submitter. Criteria: LabCorp Variant Classification Summary - May 2015. Collection method: clinical testing. Allele origin: germline.